The following is an entry in ClinVar:

ClinVar aggregate classification (germline): Uncertain significance (1 of 4 stars; one submission).

Submission:

Labcorp Genetics (formerly Invitae), Labcorp
Classification: Uncertain significance. Last evaluated: 2023-05-29. Review status: criteria provided, single submitter. Criteria: Invitae Variant Classification Sherloc (09022015). Collection method: clinical testing. Allele origin: germline.
Comment: In summary, the available evidence is currently insufficient to determine the role of this variant in disease. Therefore, it has been classified as a Variant of Uncertain Significance. Advanced modeling of protein sequence and biophysical properties (such as structural, functional, and spatial information, amino acid conservation, physicochemical variation, residue mobility, and thermodynamic stability) performed at Invitae indicates that this missense variant is not expected to disrupt FGB protein function. This variant has not been reported in the literature in individuals affected with FGB-related conditions. This variant is not present in population databases (gnomAD no frequency). This sequence change replaces proline, which is neutral and non-polar, with arginine, which is basic and polar, at codon 226 of the FGB protein (p.Pro226Arg).

NM_005141.5(FGB):c.677C>G (p.Pro226Arg)

Gene: FGB (fibrinogen beta chain; plus strand). Cytogenetic location: 4q31.3.
Variant type: single nucleotide variant.
Coding change: c.677C>G on transcript NM_005141.5 (MANE Select); coding-DNA position 677, C replaced by G.
Protein change: p.Pro226Arg; replaces proline 226 with arginine.
Molecular consequence: missense variant.
Genome position (GRCh38, 1-based): chr4:154,567,779, C>G. VCF-style: chr4-154567779-C-G. GRCh37 (hg19) VCF-style: chr4-155488931-C-G.
Other names: c.500C>G, p.Pro167Arg (NM_001184741.1); c.545C>G, p.Pro182Arg (NM_001382759.1); c.677C>G, p.Pro226Arg (NM_001382760.1, NM_001382761.1, NM_001382762.1 and 3 more transcripts); short protein forms P182R, P226R, P167R.
Identifiers: ClinVar variation 2747925 (VCV002747925.3), dbSNP rs2530777963, ClinGen allele CA358511910.
Genomic context (GRCh38, chr4:154,567,779, plus strand): 5'-GAAGCAAAATACAAAAGTTAGAATCTGATGTCTCAGCTCAAATGGAATATTGTCGCACCC[C>G]ATGCACTGTCAGTTGCAATATTCCTGTGGTGTCTGGCAAAGGTAACTGATTCATAAACAT-3'
Protein context (NP_005132.2, residues 216-236): VSAQMEYCRT[Pro226Arg]CTVSCNIPVV